The following is an entry in ClinVar:

NM_003383.5(VLDLR):c.692G>A (p.Arg231His)

Gene: VLDLR (very low density lipoprotein receptor; plus strand). Cytogenetic location: 9p24.2.
Variant type: single nucleotide variant.
Coding change: c.692G>A on transcript NM_003383.5 (MANE Select); coding-DNA position 692, G replaced by A.
Protein change: p.Arg231His; replaces arginine 231 with histidine.
Molecular consequence: missense variant.
Genome position (GRCh38, 1-based): chr9:2,643,403, G>A. VCF-style: chr9-2643403-G-A. GRCh37 (hg19) VCF-style: chr9-2643403-G-A.
Other names: c.692G>A, p.Arg231His (NM_001018056.3); c.569G>A, p.Arg190His (NM_001322225.2, NM_001322226.2); short protein forms R231H, R190H.
Identifiers: ClinVar variation 366364 (VCV000366364.12), dbSNP rs767529669, ClinGen allele CA4964601.

ClinVar aggregate classification (germline): Uncertain significance. Review status: criteria provided, multiple submitters, no conflicts (2 of 4 stars). 5 submissions from 4 submitters: Uncertain significance (5). Last evaluated 2025-03-26.

Conditions:
Cerebellar ataxia, impaired intellectual development, and dysequilibrium syndrome 1. Also called: Cerebellar hypoplasia and mental retardation with or without quadrupedal locomotion 1; Cerebellar ataxia, mental retardation, and dysequilibrium syndrome 1; Cerebellar ataxia, intellectual disability, and dysequilibrium syndrome 1; VLDLR Cerebellar Hypoplasia; CEREBELLAR ATAXIA AND MENTAL RETARDATION WITH OR WITHOUT QUADRUPEDAL LOCOMOTION 1; CEREBELLAR ATAXIA, CONGENITAL, AND MENTAL RETARDATION, AUTOSOMAL RECESSIVE. Identifiers: Orphanet 1766, MedGen C4551552, MONDO:0024542, OMIM 224050.
Dysequilibrium syndrome. Also called: Cerebellar ataxia, mental retardation, and dysequilibrium; Cerebellar ataxia, intellectual disability, and dysequilibrium. Identifiers: Orphanet 1766, MedGen C0394006, MONDO:0009133.

Allele frequency attached by ClinVar (database versions not stated): gnomAD exomes 0.00003; TOPMed 0.00001; gnomAD 0.00002; ExAC 0.00003.
gnomAD v4.1: 41 of 1,613,982 alleles (0.0025%); highest among the groups gnomAD compares: Middle Eastern, 0.016%; no homozygotes.

Submissions (5):

GeneDx
Classification: Uncertain significance. Last evaluated: 2025-03-26. Review status: criteria provided, single submitter. Criteria: GeneDx Variant Classification Process June 2021. Collection method: clinical testing. Allele origin: germline. Affected: yes.
Comment: Not observed at significant frequency in large population cohorts (gnomAD); In silico analysis indicates that this missense variant does not alter protein structure/function; Has not been previously published as pathogenic or benign to our knowledge

Baylor Genetics
Classification: Uncertain significance for Cerebellar ataxia, impaired intellectual development, and dysequilibrium syndrome 1. Last evaluated: 2020-01-02. Review status: criteria provided, single submitter. Criteria: ACMG Guidelines, 2015. Collection method: clinical testing. Allele origin: unknown. Affected: yes.
Comment: This variant was determined to be of uncertain significance according to ACMG Guidelines, 2015 [PMID:25741868].

Genomic Research Center, Shahid Beheshti University of Medical Sciences
Classification: Uncertain significance for Cerebellar ataxia, impaired intellectual development, and dysequilibrium syndrome 1. Last evaluated: 2018-03-05. Review status: criteria provided, single submitter. Criteria: ACMG Guidelines, 2015. Collection method: clinical testing. Allele origin: inherited. Affected: yes. Observed: 1 variant allele.

Genomic Research Center, Shahid Beheshti University of Medical Sciences
Classification: Uncertain significance for Dysequilibrium syndrome. Last evaluated: 2018-03-05. Review status: criteria provided, single submitter. Criteria: ACMG Guidelines, 2015. Collection method: clinical testing. Allele origin: inherited. Affected: yes. Observed: 1 variant allele.

Illumina Laboratory Services, Illumina
Classification: Uncertain significance for Cerebellar ataxia, impaired intellectual development, and dysequilibrium syndrome 1. Last evaluated: 2018-01-13. Review status: criteria provided, single submitter. Criteria: ICSL Variant Classification Criteria 13 December 2019. Collection method: clinical testing. Allele origin: germline.